The following is an entry in ClinVar:

ClinVar aggregate classification (germline): Benign (1 of 4 stars; one submission).

Allele frequency attached by ClinVar (database versions not stated): gnomAD 0.16228 and 0.16593; TOPMed 0.17889; 1000 Genomes Project 0.19669; 1000 Genomes Project 30x 0.20534.
gnomAD v4.1: 24,625 of 152,206 alleles (16%); highest among the groups gnomAD compares: African/African-American, 34%; 3,053 homozygotes.

Submission:

GeneDx
Classification: Benign. Last evaluated: 2018-06-19. Review status: criteria provided, single submitter. Criteria: GeneDx Variant Classification (06012015). Collection method: clinical testing. Allele origin: germline. Affected: yes.
Comment: This variant is considered likely benign or benign based on one or more of the following criteria: it is a conservative change, it occurs at a poorly conserved position in the protein, it is predicted to be benign by multiple in silico algorithms, and/or has population frequency not consistent with disease.

NM_012434.5(SLC17A5):c.978+182A>G

Gene: SLC17A5 (solute carrier family 17 member 5; minus strand). Cytogenetic location: 6q13.
Variant type: single nucleotide variant.
Coding change: c.978+182A>G on transcript NM_012434.5 (MANE Select); 182 bases into the intron after coding-DNA position 978, A replaced by G.
Molecular consequence: intron variant.
Genome position (GRCh38, 1-based): chr6:73,621,622, T>C on the plus strand (A>G on the coding strand, the complement: SLC17A5 is on the minus strand). VCF-style: chr6-73621622-T-C. GRCh37 (hg19) VCF-style: chr6-74331345-T-C.
Identifiers: ClinVar variation 672089 (VCV000672089.1), dbSNP rs609829, ClinGen allele CA140962910.
Genomic context (GRCh38, chr6:73,621,622, plus strand): 5'-GAATTCTTAATATGTCTGGATACTAGACCCTTATTAGATGTTTGATTTATAAATGCTTTC[T>C]CCCATTCAGTGGGTTGTTTTTCATTTTCTTAATAGTCCTTTGATGTATAAGAATCTCTAA-3'